The following is an entry in ClinVar:

ClinVar aggregate classification (germline): Benign (1 of 4 stars; one submission).

Allele frequency attached by ClinVar (database versions not stated): 1000 Genomes Project 30x 0.37320; 1000 Genomes Project 0.38039; TOPMed 0.42714; gnomAD 0.44736 and 0.45222.
gnomAD v4.1: 69,069 of 152,088 alleles (45%); highest among the groups gnomAD compares: Non-Finnish European, 62%; 19,249 homozygotes.

Submission:

GeneDx
Classification: Benign. Last evaluated: 2018-06-14. Review status: criteria provided, single submitter. Criteria: GeneDx Variant Classification (06012015). Collection method: clinical testing. Allele origin: germline. Affected: yes.
Comment: This variant is considered likely benign or benign based on one or more of the following criteria: it is a conservative change, it occurs at a poorly conserved position in the protein, it is predicted to be benign by multiple in silico algorithms, and/or has population frequency not consistent with disease.

NM_001042492.3(NF1):c.4836-307A>G

Gene: NF1 (neurofibromin 1; plus strand). Cytogenetic location: 17q11.2.
Variant type: single nucleotide variant.
Coding change: c.4836-307A>G on transcript NM_001042492.3 (MANE Select); 307 bases into the intron before coding-DNA position 4836, A replaced by G.
Molecular consequence: intron variant.
Genome position (GRCh38, 1-based): chr17:31,325,513, A>G. VCF-style: chr17-31325513-A-G. GRCh37 (hg19) VCF-style: chr17-29652531-A-G.
Other names: c.4773-307A>G (NM_000267.4).
Identifiers: ClinVar variation 561762 (VCV000561762.1), dbSNP rs2525564, ClinGen allele CA14447462.